The following is an entry in ClinVar:

ClinVar aggregate classification (germline): Uncertain significance (1 of 4 stars; one submission).

Allele frequency attached by ClinVar (database versions not stated): gnomAD exomes below 0.00001; TOPMed below 0.00001; gnomAD 0.00001.
gnomAD v4.1: 4 of 1,564,614 alleles (0.00026%); highest among the groups gnomAD compares: African/African-American, 0.0027%; no homozygotes.

Submission:

GeneDx
Classification: Uncertain significance. Last evaluated: 2023-03-10. Review status: criteria provided, single submitter. Criteria: GeneDx Variant Classification Process June 2021. Collection method: clinical testing. Allele origin: germline. Affected: yes.
Comment: Not observed at significant frequency in large population cohorts (gnomAD); In silico analysis supports that this missense variant does not alter protein structure/function; Has not been previously published as pathogenic or benign to our knowledge

NM_017649.5(CNNM2):c.2390G>A (p.Arg797Gln)

Gene: CNNM2 (cyclin and CBS domain divalent metal cation transport mediator 2; plus strand). Cytogenetic location: 10q24.32.
Variant type: single nucleotide variant.
Coding change: c.2390G>A on transcript NM_017649.5 (MANE Select); coding-DNA position 2390, G replaced by A.
Protein change: p.Arg797Gln; replaces arginine 797 with glutamine.
Molecular consequence: missense variant.
Genome position (GRCh38, 1-based): chr10:103,076,242, G>A. VCF-style: chr10-103076242-G-A. GRCh37 (hg19) VCF-style: chr10-104835999-G-A.
Other names: c.2324G>A, p.Arg775Gln (NM_199076.3); short protein forms R775Q, R797Q.
Identifiers: ClinVar variation 2579386 (VCV002579386.1), dbSNP rs1477815087, ClinGen allele CA377964270.